The following is an entry in ClinVar:

NM_001378615.1(CC2D2A):c.3810_3811del (p.Lys1272fs)

Genes: CC2D2A (coiled-coil and C2 domain containing 2A; plus strand), FBXL5 (F-box and leucine rich repeat protein 5; minus strand). Cytogenetic location: 4p15.32.
Variant type: Deletion.
Coding change: c.3810_3811del on transcript NM_001378615.1 (MANE Select); coding-DNA positions 3810 to 3811, 2 bases deleted (TG; older notation c.3810_3811delTG).
Protein change: p.Lys1272fs; shifts the reading frame from lysine 1272.
Molecular consequence: frameshift variant.
Genome position (GRCh38, 1-based): chr4:15,580,006-15,580,007, TG deleted. VCF-style (leftmost placement, unchanged base first): chr4-15580005-CTG-C. GRCh37 (hg19) VCF-style: chr4-15581628-CTG-C.
Other names: c.3810_3811del, p.Lys1272fs (NM_001080522.2); c.3663_3664del, p.Lys1223fs (NM_001378617.1); short protein forms K1223fs, K1272fs.
Identifiers: ClinVar variation 1423048 (VCV001423048.7), dbSNP rs1312758061, ClinGen allele CA789439290.

ClinVar aggregate classification (germline): Pathogenic. Review status: criteria provided, multiple submitters, no conflicts (2 of 4 stars). 2 submissions from 2 submitters: Pathogenic (2). Last evaluated 2024-12-18.

Conditions:
Joubert syndrome. Also called: JOUBERT-BOLTSHAUSER SYNDROME; Familial aplasia of the vermis. Identifiers: Orphanet 475, MedGen C5979921, MONDO:0018772.
Meckel-Gruber syndrome. Also called: DYSENCEPHALIA SPLANCHNOCYSTICA; GRUBER SYNDROME; Dysencephalia splachnocystica. Identifiers: Orphanet 564, MedGen C0265215, MONDO:0018921.
Joubert syndrome and related disorders. Identifiers: Orphanet 140874, MedGen C5679612, MONDO:0015369.

Allele frequency attached by ClinVar (database versions not stated): gnomAD exomes below 0.00001; TOPMed below 0.00001.

Submissions (2):

Myriad Genetics, Inc.
Classification: Pathogenic for Joubert syndrome and related disorders. Last evaluated: 2024-12-18. Review status: criteria provided, single submitter. Criteria: Myriad Autosomal Dominant, Autosomal Recessive and X-Linked Classification Criteria (2023). Collection method: clinical testing. Allele origin: unknown.
Comment: NM_001080522.2(CC2D2A):c.3810_3811delTG(K1272Vfs*4) is expected to be pathogenic in the context of CC2D2A-related disorders. This variant is predicted to lead to an abnormal or absent protein product due to the creation of a premature termination codon in CC2D2A, a gene where loss-of-function variants are known to be pathogenic. Please note: this variant was assessed in the context of healthy population screening.

Labcorp Genetics (formerly Invitae), Labcorp
Classification: Pathogenic for Joubert syndrome; Meckel-Gruber syndrome. Last evaluated: 2022-10-05. Review status: criteria provided, single submitter. Criteria: Invitae Variant Classification Sherloc (09022015). Collection method: clinical testing. Allele origin: germline.
Comment: This variant is not present in population databases (gnomAD no frequency). This sequence change creates a premature translational stop signal (p.Lys1272Valfs*4) in the CC2D2A gene. It is expected to result in an absent or disrupted protein product. Loss-of-function variants in CC2D2A are known to be pathogenic (PMID: 19777577). This variant has not been reported in the literature in individuals affected with CC2D2A-related conditions. For these reasons, this variant has been classified as Pathogenic. Algorithms developed to predict the effect of sequence changes on RNA splicing suggest that this variant may disrupt the consensus splice site. ClinVar contains an entry for this variant (Variation ID: 1423048).

Literature cited by the submitters: PubMed 19777577 (cited by Labcorp Genetics (formerly Invitae), Labcorp).